The following is an entry in ClinVar:

ClinVar aggregate classification (germline): Uncertain significance. Review status: criteria provided, multiple submitters, no conflicts (2 of 4 stars). 3 submissions from 3 submitters: Uncertain significance (3). Last evaluated 2024-03-06.

Conditions:
Hereditary cancer-predisposing syndrome. Also called: Neoplastic Syndromes, Hereditary; Tumor predisposition; Hereditary neoplastic syndrome; Hereditary Cancer Syndrome. Identifiers: Orphanet 140162, MedGen C0027672, MeSH D009386, MONDO:0015356.
Familial adenomatous polyposis 1 (FAP1). Also called: POLYPOSIS, ADENOMATOUS INTESTINAL; FAMILIAL ADENOMATOUS POLYPOSIS 1, ATTENUATED. Identifiers: MedGen C2713442, MONDO:0021056, OMIM 175100. Disease mechanism: loss of function.

Submissions (3):

Ambry Genetics
Classification: Uncertain significance for Hereditary cancer-predisposing syndrome. Last evaluated: 2024-03-06. Review status: criteria provided, single submitter. Criteria: Ambry Variant Classification Scheme 2023. Collection method: clinical testing. Allele origin: germline.
Comment: The p.M2419L variant (also known as c.7255A>C), located in coding exon 15 of the APC gene, results from an A to C substitution at nucleotide position 7255. The methionine at codon 2419 is replaced by leucine, an amino acid with highly similar properties. This amino acid position is conserved. In addition, in silico predictors for this gene do not accurately predict pathogenicity. Based on the available evidence, the clinical significance of this alteration remains unclear.

Labcorp Genetics (formerly Invitae), Labcorp
Classification: Uncertain significance for Familial adenomatous polyposis 1. Last evaluated: 2024-02-02. Review status: criteria provided, single submitter. Criteria: Invitae Variant Classification Sherloc (09022015). Collection method: clinical testing. Allele origin: germline.
Comment: This sequence change replaces methionine, which is neutral and non-polar, with leucine, which is neutral and non-polar, at codon 2419 of the APC protein (p.Met2419Leu). This variant is not present in population databases (gnomAD no frequency). This variant has not been reported in the literature in individuals affected with APC-related conditions. ClinVar contains an entry for this variant (Variation ID: 628809). Advanced modeling of protein sequence and biophysical properties (such as structural, functional, and spatial information, amino acid conservation, physicochemical variation, residue mobility, and thermodynamic stability) performed at Invitae indicates that this missense variant is not expected to disrupt APC protein function with a negative predictive value of 95%. In summary, the available evidence is currently insufficient to determine the role of this variant in disease. Therefore, it has been classified as a Variant of Uncertain Significance.

Color Diagnostics, LLC DBA Color Health
Classification: Uncertain significance for Hereditary cancer-predisposing syndrome. Last evaluated: 2023-12-05. Review status: criteria provided, single submitter. Criteria: ACMG Guidelines, 2015. Collection method: clinical testing. Allele origin: germline.
Comment: This missense variant replaces methionine with leucine at codon 2419 of the APC protein. Computational prediction suggests that this variant may not impact protein structure and function (internally defined REVEL score threshold <= 0.5, PMID: 27666373). To our knowledge, functional studies have not been reported for this variant. This variant has not been reported in individuals affected with APC-related disorders in the literature. This variant has not been identified in the general population by the Genome Aggregation Database (gnomAD). The available evidence is insufficient to determine the role of this variant in disease conclusively. Therefore, this variant is classified as a Variant of Uncertain Significance.

NM_000038.6(APC):c.7255A>C (p.Met2419Leu)

Gene: APC (APC regulator of Wnt signaling pathway; plus strand). Cytogenetic location: 5q22.2.
Variant type: single nucleotide variant.
Coding change: c.7255A>C on transcript NM_000038.6 (MANE Select); coding-DNA position 7255, A replaced by C.
Protein change: p.Met2419Leu; replaces methionine 2419 with leucine.
Molecular consequence: missense variant.
Genome position (GRCh38, 1-based): chr5:112,842,849, A>C. VCF-style: chr5-112842849-A-C. GRCh37 (hg19) VCF-style: chr5-112178546-A-C.
Other names: c.7255A>C, p.Met2419Leu (NM_001127510.3, NM_001354895.2); c.7201A>C, p.Met2401Leu (NM_001127511.3); c.7309A>C, p.Met2437Leu (NM_001354896.2); c.7285A>C, p.Met2429Leu (NM_001354897.2); c.7180A>C, p.Met2394Leu (NM_001354898.2); c.7171A>C, p.Met2391Leu (NM_001354899.2); c.7132A>C, p.Met2378Leu (NM_001354900.2); c.7078A>C, p.Met2360Leu (NM_001354901.2); and 5 more; short protein forms M2401L, M2419L, M2437L, M2136L, M2293L, M2328L, M2360L, M2318L.
Identifiers: ClinVar variation 628809 (VCV000628809.8), dbSNP rs730881259, ClinGen allele CA16037133.